The following is an entry in ClinVar:

ClinVar aggregate classification (germline): Likely benign. Review status: criteria provided, multiple submitters, no conflicts (2 of 4 stars). 2 submissions from 2 submitters: Likely benign (2). Last evaluated 2025-02-25.

Allele frequency attached by ClinVar (database versions not stated): TOPMed below 0.00001; gnomAD 0.00001; gnomAD exomes 0.00001; ESP Exome Variant Server 0.00008.
gnomAD v4.1: 14 of 1,613,966 alleles (0.00087%); highest among the groups gnomAD compares: African/African-American, 0.0013%; no homozygotes.

Submissions (2):

Athena Diagnostics
Classification: Likely benign. Last evaluated: 2025-02-25. Review status: criteria provided, single submitter. Criteria: Athena Diagnostics Criteria. Collection method: clinical testing. Allele origin: unknown.
Comment: Computational tools yielded predictions that this variant is unlikely to have an effect on normal RNA splicing. This nucleotide position exhibits low evolutionary conservation.

Labcorp Genetics (formerly Invitae), Labcorp
Classification: Likely benign. Last evaluated: 2022-09-27. Review status: criteria provided, single submitter. Criteria: Invitae Variant Classification Sherloc (09022015). Collection method: clinical testing. Allele origin: germline.

NM_173500.4(TTBK2):c.1521T>C (p.Tyr507=)

Gene: TTBK2 (tau tubulin kinase 2; minus strand). Cytogenetic location: 15q15.2.
Variant type: single nucleotide variant.
Coding change: c.1521T>C on transcript NM_173500.4 (MANE Select); coding-DNA position 1521, T replaced by C.
Protein change: p.Tyr507=; no amino-acid change (tyrosine 507 retained).
Molecular consequence: synonymous variant.
Genome position (GRCh38, 1-based): chr15:42,775,612, A>G on the plus strand (T>C on the coding strand, the complement: TTBK2 is on the minus strand). VCF-style: chr15-42775612-A-G. GRCh37 (hg19) VCF-style: chr15-43067810-A-G.
Identifiers: ClinVar variation 2180848 (VCV002180848.5), dbSNP rs369226210, ClinGen allele CA269887651.
Genomic context (GRCh38, chr15:42,775,612, plus strand): 5'-TGCCTGCTCAGGGGTGTTGGCAGAAGCAGGCTTGGAGGCATCTGGAAGATATTCTTCATC[A>G]TAGTGCCAGATGTGGTCAGTACGGGACACAGCAGGAACGCAAGGCTTATGCAGCAGAGCA-3'
Protein context (NP_775771.3, residues 497-517): AVSRTDHIWH[Tyr507=]DEEYLPDASK